The following is an entry in ClinVar:

ClinVar aggregate classification (germline): Uncertain significance (1 of 4 stars; one submission).

Conditions:
WDR62-related disorder. Also called: WDR62-related condition.

Allele frequency attached by ClinVar (database versions not stated): TOPMed 0.00001; gnomAD exomes 0.00002.
gnomAD v4.1: 25 of 1,613,748 alleles (0.0015%); highest among the groups gnomAD compares: Non-Finnish European, 0.0021%; no homozygotes.

Submission:

PreventionGenetics, part of Exact Sciences
Classification: Uncertain significance for WDR62-related condition. Last evaluated: 2025-12-08. Review status: criteria provided, single submitter. Criteria: ACMG Guidelines, 2015. Collection method: clinical testing. Allele origin: germline.
Comment: The WDR62 c.1961T>C variant is predicted to result in the amino acid substitution p.Val654Ala. To our knowledge, this variant has not been reported in the literature. This variant is reported in 0.00088% of alleles in individuals of European (Non-Finnish) descent in gnomAD. At this time, the clinical significance of this variant is uncertain due to the absence of conclusive functional and genetic evidence.

NM_001083961.2(WDR62):c.1961T>C (p.Val654Ala)

Gene: WDR62 (WD repeat domain 62; plus strand). Cytogenetic location: 19q13.12.
Variant type: single nucleotide variant.
Coding change: c.1961T>C on transcript NM_001083961.2 (MANE Select); coding-DNA position 1961, T replaced by C.
Protein change: p.Val654Ala; replaces valine 654 with alanine.
Molecular consequence: missense variant.
Genome position (GRCh38, 1-based): chr19:36,090,447, T>C. VCF-style: chr19-36090447-T-C. GRCh37 (hg19) VCF-style: chr19-36581349-T-C.
Other names: c.1946T>C, p.Val649Ala (NM_001411145.1); c.1961T>C, p.Val654Ala (NM_001411146.1, NM_173636.5); c.1610T>C, p.Val537Ala (NM_001411147.1); short protein forms V537A, V649A, V654A.
Identifiers: ClinVar variation 2631687 (VCV002631687.2), dbSNP rs1568355536, ClinGen allele CA405442020.